The following is an entry in ClinVar:

NM_001365276.2(TNXB):c.7064G>T (p.Arg2355Met)

Gene: TNXB (tenascin XB; minus strand). Cytogenetic location: 6p21.33.
Variant type: single nucleotide variant.
Coding change: c.7064G>T on transcript NM_001365276.2 (MANE Select); coding-DNA position 7064, G replaced by T.
Protein change: p.Arg2355Met; replaces arginine 2355 with methionine.
Molecular consequence: missense variant.
Genome position (GRCh38, 1-based): chr6:32,062,261, C>A on the plus strand (G>T on the coding strand, the complement: TNXB is on the minus strand). VCF-style: chr6-32062261-C-A. GRCh37 (hg19) VCF-style: chr6-32030038-C-A.
Other names: c.7064G>T, p.Arg2355Met (NM_019105.8); short protein forms R2355M.
Identifiers: ClinVar variation 1806785 (VCV001806785.1), dbSNP rs2483517219, ClinGen allele CA363553926.
Genomic context (GRCh38, chr6:32,062,261, plus strand): 5'-TGGAAGCCGTACAGGTTCATCTTGTACTTGTTGTCTGGCTCCAGGCCGGAGATGGTGACC[C>A]TGTCCTCATGTCCTGGCACCCGTGTTGCCTTGGGCTGCCCATCCCCATTCTTGTACTGGA-3'
Protein context (NP_001352205.1, residues 2345-2365): KATRVPGHED[Arg2355Met]VTISGLEPDN

ClinVar aggregate classification (germline): Uncertain significance (1 of 4 stars; one submission).

Submission:

GeneDx
Classification: Uncertain significance. Last evaluated: 2022-06-24. Review status: criteria provided, single submitter. Criteria: GeneDx Variant Classification Process June 2021. Collection method: clinical testing. Allele origin: germline. Affected: yes.
Comment: Has not been previously published as pathogenic or benign to our knowledge; Not observed at significant frequency in large population cohorts (gnomAD); In silico analysis supports that this missense variant does not alter protein structure/function